The following is an entry in ClinVar:

NM_015061.6(KDM4C):c.2089A>G (p.Asn697Asp)

Gene: KDM4C (lysine demethylase 4C; plus strand). Cytogenetic location: 9p24.1.
Variant type: single nucleotide variant.
Coding change: c.2089A>G on transcript NM_015061.6 (MANE Select); coding-DNA position 2089, A replaced by G.
Protein change: p.Asn697Asp; replaces asparagine 697 with aspartic acid.
Molecular consequence: missense variant. On other transcripts: non-coding transcript variant (5).
Genome position (GRCh38, 1-based): chr9:7,013,908, A>G. VCF-style: chr9-7013908-A-G. GRCh37 (hg19) VCF-style: chr9-7013908-A-G.
Other names: c.2089A>G, p.Asn697Asp (NM_001146695.4, NM_001304339.4, NM_001353997.3 and 1 more transcripts); c.2155A>G, p.Asn719Asp (NM_001146696.2); c.1324A>G, p.Asn442Asp (NM_001304340.4); c.778A>G, p.Asn260Asp (NM_001353999.3, NM_001354000.3, NM_001354001.3); short protein forms N260D, N442D, N719D, N697D.
Identifiers: ClinVar variation 5000668 (VCV005000668.1).

ClinVar aggregate classification (germline): Uncertain significance (1 of 4 stars; one submission).

Conditions:
KDM4C-related disorder. Also called: KDM4C-related condition.

gnomAD v4.1: 1 of 1,613,998 alleles (0.000062%); highest among the groups gnomAD compares: Admixed American, 0.0017%; no homozygotes.

Submission:

PreventionGenetics, part of Exact Sciences
Classification: Uncertain significance for KDM4C-related condition. Last evaluated: 2025-05-22. Review status: criteria provided, single submitter. Criteria: ACMG Guidelines, 2015. Collection method: clinical testing. Allele origin: germline.
Comment: The KDM4C c.2089A>G variant is predicted to result in the amino acid substitution p.Asn697Asp. To our knowledge, this variant has not been reported in the literature. This variant is reported in 0.0029% of alleles in individuals of Latino descent in gnomAD. At this time, the clinical significance of this variant is uncertain due to the absence of conclusive functional and genetic evidence.